The following is an entry in ClinVar:

ClinVar aggregate classification (germline): Uncertain significance (1 of 4 stars; one submission).

gnomAD v4.1: 13 of 1,613,426 alleles (0.00081%); highest among the groups gnomAD compares: African/African-American, 0.0027%; no homozygotes.

Submission:

Labcorp Genetics (formerly Invitae), Labcorp
Classification: Uncertain significance. Last evaluated: 2022-07-12. Review status: criteria provided, single submitter. Criteria: Invitae Variant Classification Sherloc (09022015). Collection method: clinical testing. Allele origin: germline.
Comment: This sequence change replaces arginine, which is basic and polar, with cysteine, which is neutral and slightly polar, at codon 1303 of the CARMIL2 protein (p.Arg1303Cys). This variant is present in population databases (no rsID available, gnomAD 0.004%). This variant has not been reported in the literature in individuals affected with CARMIL2-related conditions. ClinVar contains an entry for this variant (Variation ID: 1499445). Algorithms developed to predict the effect of missense changes on protein structure and function are either unavailable or do not agree on the potential impact of this missense change (SIFT: "Deleterious"; PolyPhen-2: "Possibly Damaging"; Align-GVGD: "Class C0"). In summary, the available evidence is currently insufficient to determine the role of this variant in disease. Therefore, it has been classified as a Variant of Uncertain Significance.

NM_001013838.3(CARMIL2):c.3907C>T (p.Arg1303Cys)

Gene: CARMIL2 (capping protein regulator and myosin 1 linker 2; plus strand). Cytogenetic location: 16q22.1.
Variant type: single nucleotide variant.
Coding change: c.3907C>T on transcript NM_001013838.3 (MANE Select); coding-DNA position 3907, C replaced by T.
Protein change: p.Arg1303Cys; replaces arginine 1303 with cysteine.
Molecular consequence: missense variant.
Genome position (GRCh38, 1-based): chr16:67,656,516, C>T. VCF-style: chr16-67656516-C-T. GRCh37 (hg19) VCF-style: chr16-67690419-C-T.
Other names: c.3799C>T, p.Arg1267Cys (NM_001317026.3); short protein forms R1267C, R1303C.
Identifiers: ClinVar variation 1499445 (VCV001499445.5), dbSNP rs755621592, ClinGen allele CA396348177.